The following is an entry in ClinVar:

NM_182961.4(SYNE1):c.17347-16G>C

Genes: SYNE1 (spectrin repeat containing nuclear envelope protein 1; minus strand), LOC129997480 (ATAC-STARR-seq lymphoblastoid active region 25287; plus strand). Cytogenetic location: 6q25.2.
Variant type: single nucleotide variant.
Coding change: c.17347-16G>C on transcript NM_182961.4 (MANE Select); 16 bases into the intron before coding-DNA position 17347, G replaced by C.
Molecular consequence: intron variant.
Genome position (GRCh38, 1-based): chr6:152,302,079, C>G on the plus strand (G>C on the coding strand, the complement: SYNE1 is on the minus strand). VCF-style: chr6-152302079-C-G. GRCh37 (hg19) VCF-style: chr6-152623214-C-G.
Other names: c.17134-16G>C (NM_033071.5).
Identifiers: ClinVar variation 384431 (VCV000384431.9), dbSNP rs200637611, ClinGen allele CA4055245.

ClinVar aggregate classification (germline): Likely benign. Review status: criteria provided, multiple submitters, no conflicts (2 of 4 stars). 2 submissions from 2 submitters: Likely benign (2). Last evaluated 2024-02-12.

Conditions:
Emery-Dreifuss muscular dystrophy 4, autosomal dominant (EDMD4). Also called: EMERY-DREIFUSS MUSCULAR DYSTROPHY 4 WITH VARIABLE FEATURES. Identifiers: Orphanet 261, MedGen C2751807, MONDO:0013071, OMIM 612998.
Autosomal recessive ataxia, Beauce type. Also called: ATAXIA, RECESSIVE, OF BEAUCE; SYNE1-Related Autosomal Recessive Cerebellar Ataxia; Spinocerebellar ataxia, autosomal recessive 8; SYNE1 Deficiency. Identifiers: Orphanet 88644, MedGen C1853116, MONDO:0012549, OMIM 610743.

Allele frequency attached by ClinVar (database versions not stated): gnomAD 0.00001 and 0.00002; TOPMed 0.00008; 1000 Genomes Project 30x 0.00031; 1000 Genomes Project 0.00040.
gnomAD v4.1: 15 of 1,614,212 alleles (0.00093%); highest among the groups gnomAD compares: East Asian, 0.029%; no homozygotes.

Submissions (2):

Labcorp Genetics (formerly Invitae), Labcorp
Classification: Likely benign for Emery-Dreifuss muscular dystrophy 4, autosomal dominant; Autosomal recessive ataxia, Beauce type. Last evaluated: 2024-02-12. Review status: criteria provided, single submitter. Criteria: Invitae Variant Classification Sherloc (09022015). Collection method: clinical testing. Allele origin: germline.

GeneDx
Classification: Likely benign. Last evaluated: 2016-03-18. Review status: criteria provided, single submitter. Criteria: GeneDx Variant Classification (06012015). Collection method: clinical testing. Allele origin: germline. Affected: yes.
Comment: This variant is considered likely benign or benign based on one or more of the following criteria: it is a conservative change, it occurs at a poorly conserved position in the protein, it is predicted to be benign by multiple in silico algorithms, and/or has population frequency not consistent with disease.